The following is an entry in ClinVar:

ClinVar aggregate classification (germline): Pathogenic (1 of 4 stars; one submission).

Conditions:
Hereditary breast ovarian cancer syndrome. Also called: Hereditary breast and ovarian cancer; Hereditary breast and ovarian cancer syndrome; Hereditary breast and ovarian cancer syndrome (HBOC); Hereditary breast and/or ovarian cancer syndrome; Breast and ovarian cancer; BRCA1- and BRCA2-Associated Hereditary Breast and Ovarian Cancer. Identifiers: Orphanet 145, MedGen C0677776, MeSH D061325, MONDO:0003582. Disease mechanism: loss of function.

Submission:

Labcorp Genetics (formerly Invitae), Labcorp
Classification: Pathogenic for Hereditary breast ovarian cancer syndrome. Last evaluated: 2020-10-19. Review status: criteria provided, single submitter. Criteria: Invitae Variant Classification Sherloc (09022015). Collection method: clinical testing. Allele origin: germline.
Comment: For these reasons, this variant has been classified as Pathogenic. Loss-of-function variants in BRCA2 are known to be pathogenic (PMID: 20104584). This variant has not been reported in the literature in individuals with BRCA2-related conditions. This variant is not present in population databases (ExAC no frequency). This sequence change creates a premature translational stop signal (p.Thr1087Asnfs*12) in the BRCA2 gene. It is expected to result in an absent or disrupted protein product.

Literature cited by the submitters: PubMed 20104584.

NM_000059.4(BRCA2):c.3259dup (p.Thr1087fs)

Gene: BRCA2 (BRCA2 DNA repair associated; plus strand). Cytogenetic location: 13q13.1.
Variant type: Duplication.
Coding change: c.3259dup on transcript NM_000059.4 (MANE Select); coding-DNA position 3259, one base duplicated (A; older notation c.3259dupA).
Protein change: p.Thr1087fs; shifts the reading frame from threonine 1087.
Molecular consequence: frameshift variant.
Genome position (GRCh38, 1-based): chr13:32,337,614, A duplicated; the last of 2 consecutive A bases (chr13:32,337,613-32,337,614); duplicating either gives the same sequence. VCF-style (leftmost placement, unchanged base first): chr13-32337612-T-TA. GRCh37 (hg19) VCF-style: chr13-32911749-T-TA.
Other names: c.3259dupA (NM_000059.3); short protein forms T1087fs.
Identifiers: ClinVar variation 642033 (VCV000642033.9), dbSNP rs1593899043, ClinGen allele CA915948450.